The following is an entry in ClinVar:

ClinVar aggregate classification (germline): Uncertain significance (1 of 4 stars; one submission).

Conditions:
Hereditary cancer-predisposing syndrome. Also called: Tumor predisposition; Hereditary neoplastic syndrome; Hereditary Cancer Syndrome; Neoplastic Syndromes, Hereditary. Identifiers: Orphanet 140162, MedGen C0027672, MeSH D009386, MONDO:0015356.

Submission:

Ambry Genetics
Classification: Uncertain significance for Hereditary cancer-predisposing syndrome. Last evaluated: 2025-05-31. Review status: criteria provided, single submitter. Criteria: Ambry Variant Classification Scheme 2023. Collection method: clinical testing. Allele origin: germline.
Comment: The p.F1463L variant (also known as c.4389T>G), located in coding exon 28 of the ATM gene, results from a T to G substitution at nucleotide position 4389. The phenylalanine at codon 1463 is replaced by leucine, an amino acid with highly similar properties. This amino acid position is conserved. In addition, this alteration is predicted to be deleterious by in silico analysis. Based on the available evidence, the clinical significance of this variant remains unclear.

NM_000051.4(ATM):c.4389T>G (p.Phe1463Leu)

Gene: ATM (ATM serine/threonine kinase; plus strand). Cytogenetic location: 11q22.3.
Variant type: single nucleotide variant.
Coding change: c.4389T>G on transcript NM_000051.4 (MANE Select); coding-DNA position 4389, T replaced by G.
Protein change: p.Phe1463Leu; replaces phenylalanine 1463 with leucine.
Molecular consequence: missense variant.
Genome position (GRCh38, 1-based): chr11:108,289,754, T>G. VCF-style: chr11-108289754-T-G. GRCh37 (hg19) VCF-style: chr11-108160481-T-G.
Other names: c.4389T>G, p.Phe1463Leu (NM_001351834.2); short protein forms F1463L.
Identifiers: ClinVar variation 3967485 (VCV003967485.1).